The following is an entry in ClinVar:

ClinVar aggregate classification (germline): Likely benign (1 of 4 stars; one submission).

Allele frequency attached by ClinVar (database versions not stated): gnomAD exomes 0.00001; TOPMed 0.00002.
gnomAD v4.1: 24 of 1,614,048 alleles (0.0015%); highest among the groups gnomAD compares: Non-Finnish European, 0.0019%; no homozygotes.

Submission:

CeGaT Center for Human Genetics Tuebingen
Classification: Likely benign. Last evaluated: 2022-04-01. Review status: criteria provided, single submitter. Criteria: CeGaT Center For Human Genetics Tuebingen Variant Classification Criteria Version 2. Collection method: clinical testing. Allele origin: germline. Affected: yes. Observed: 1 variant allele.
Comment: TBL3: BP4, BP7

NM_006453.3(TBL3):c.1071C>T (p.Pro357=)

Gene: TBL3 (transducin beta like 3; plus strand). Cytogenetic location: 16p13.3.
Variant type: single nucleotide variant.
Coding change: c.1071C>T on transcript NM_006453.3 (MANE Select); coding-DNA position 1071, C replaced by T.
Protein change: p.Pro357=; no amino-acid change (proline 357 retained).
Molecular consequence: synonymous variant.
Genome position (GRCh38, 1-based): chr16:1,975,891, C>T. VCF-style: chr16-1975891-C-T. GRCh37 (hg19) VCF-style: chr16-2025892-C-T.
Identifiers: ClinVar variation 2645958 (VCV002645958.24), dbSNP rs752732157, ClinGen allele CA493039469.